The following is an entry in ClinVar:

ClinVar aggregate classification (germline): Benign/Likely benign. Review status: criteria provided, multiple submitters, no conflicts (2 of 4 stars). 4 submissions from 4 submitters: Benign (2); Likely benign (2). Last evaluated 2026-01-26.

Allele frequency attached by ClinVar (database versions not stated): gnomAD exomes 0.00098 and 0.00266; ExAC 0.00341; gnomAD 0.01019 and 0.01099; TOPMed 0.01168; ESP Exome Variant Server 0.01261; 1000 Genomes Project 0.01278; 1000 Genomes Project 30x 0.01390.
gnomAD v4.1: 3,073 of 1,614,152 alleles (0.19%); highest among the groups gnomAD compares: African/African-American, 3.5%; 51 homozygotes.

Submissions (4):

Labcorp Genetics (formerly Invitae), Labcorp
Classification: Benign. Last evaluated: 2026-01-26. Review status: criteria provided, single submitter. Criteria: Invitae Variant Classification Sherloc (09022015). Collection method: clinical testing. Allele origin: germline.

Mayo Clinic Laboratories, Mayo Clinic
Classification: Benign. Last evaluated: 2022-04-20. Review status: criteria provided, single submitter. Criteria: ACMG Guidelines, 2015. Collection method: clinical testing. Allele origin: germline. Observed: 8 variant alleles.
Comment: BA1, BP4, BP7

GeneDx
Classification: Likely benign. Last evaluated: 2021-02-26. Review status: criteria provided, single submitter. Criteria: GeneDx Variant Classification Process June 2021. Collection method: clinical testing. Allele origin: germline. Affected: yes.

Breakthrough Genomics
Classification: Likely benign. Review status: criteria provided, single submitter. Criteria: ACMG Guidelines, 2015. Collection method: not provided. Allele origin: germline. Inheritance: Unknown mechanism. Affected: yes.

NM_000780.4(CYP7A1):c.225T>C (p.Tyr75=)

Gene: CYP7A1 (cytochrome P450 family 7 subfamily A member 1; minus strand). Cytogenetic location: 8q12.1.
Variant type: single nucleotide variant.
Coding change: c.225T>C on transcript NM_000780.4 (MANE Select); coding-DNA position 225, T replaced by C.
Protein change: p.Tyr75=; no amino-acid change (tyrosine 75 retained).
Molecular consequence: synonymous variant.
Genome position (GRCh38, 1-based): chr8:58,498,325, A>G on the plus strand (T>C on the coding strand, the complement: CYP7A1 is on the minus strand). VCF-style: chr8-58498325-A-G. GRCh37 (hg19) VCF-style: chr8-59410884-A-G.
Other names: p.Tyr75=.
Identifiers: ClinVar variation 776337 (VCV000776337.13), dbSNP rs60059260, ClinGen allele CA4756856.